The following is an entry in ClinVar:

NM_005324.5(H3-3B):c.98C>T (p.Thr33Ile)

Gene: H3-3B (H3.3 histone B; minus strand). Cytogenetic location: 17q25.1.
Variant type: single nucleotide variant.
Coding change: c.98C>T on transcript NM_005324.5 (MANE Select); coding-DNA position 98, C replaced by T.
Protein change: p.Thr33Ile; replaces threonine 33 with isoleucine.
Molecular consequence: missense variant.
Genome position (GRCh38, 1-based): chr17:75,779,077, G>A on the plus strand (C>T on the coding strand, the complement: H3-3B is on the minus strand). VCF-style: chr17-75779077-G-A. GRCh37 (hg19) VCF-style: chr17-73775158-G-A.
Other names: short protein forms T33I.
Identifiers: ClinVar variation 2571003 (VCV002571003.27), dbSNP rs2545911125, ClinGen allele CA401118229.
Genomic context (GRCh38, chr17:75,779,077, plus strand): 5'-GCCGGGCCATTGTTCCCCCGCCCGACCTACCTGTAGCGATGAGGCTTCTTCACCCCGCCG[G>A]TAGAGGGAGCGCTTTTCCTGGCGGCTTTCGTGGCCAGCTGTTTGCGGGGGGCTTTCCCAC-3'
Protein context (NP_005315.1, residues 23-43): TKAARKSAPS[Thr33Ile]GGVKKPHRYR

ClinVar aggregate classification (germline): Likely pathogenic (1 of 4 stars; one submission).

Allele frequency attached by ClinVar (database versions not stated): gnomAD exomes below 0.00001.

Submission:

CeGaT Center for Human Genetics Tuebingen
Classification: Likely pathogenic. Last evaluated: 2023-05-01. Review status: criteria provided, single submitter. Criteria: CeGaT Center For Human Genetics Tuebingen Variant Classification Criteria Version 2. Collection method: clinical testing. Allele origin: germline. Affected: yes. Observed: 1 variant allele.
Comment: H3-3B: PS2, PM2, PP2, PP4